The following is an entry in ClinVar:

NM_006531.5(IFT88):c.1598G>A (p.Arg533Gln)

Gene: IFT88 (intraflagellar transport 88; plus strand). Cytogenetic location: 13q12.11.
Variant type: single nucleotide variant.
Coding change: c.1598G>A on transcript NM_006531.5 (MANE Select); coding-DNA position 1598, G replaced by A.
Protein change: p.Arg533Gln; replaces arginine 533 with glutamine.
Molecular consequence: missense variant. On other transcripts: non-coding transcript variant (4).
Genome position (GRCh38, 1-based): chr13:20,641,314, G>A. VCF-style: chr13-20641314-G-A. GRCh37 (hg19) VCF-style: chr13-21215453-G-A.
Other names: c.1541G>A, p.Arg514Gln (NM_001318491.2, NM_001353575.2); c.1625G>A, p.Arg542Gln (NM_001318493.2, NM_001353565.2, NM_001353566.2 and 2 more transcripts); c.1598G>A, p.Arg533Gln (NM_001353568.2, NM_001353572.2); c.1523G>A, p.Arg508Gln (NM_001353569.2, NM_001353570.2, NM_001353576.2 and 1 more transcripts); c.1496G>A, p.Arg499Gln (NM_001353571.2, NM_001353578.2); c.1454G>A, p.Arg485Gln (NM_001353573.2); c.1439G>A, p.Arg480Gln (NM_001353574.2); c.965G>A, p.Arg322Gln (NM_001353579.2); short protein forms R485Q, R514Q, R533Q, R322Q, R499Q, R508Q, R480Q, R542Q.
Identifiers: ClinVar variation 1492778 (VCV001492778.6), dbSNP rs377167773, ClinGen allele CA246520016.

ClinVar aggregate classification (germline): Uncertain significance (1 of 4 stars; one submission).

Allele frequency attached by ClinVar (database versions not stated): TOPMed below 0.00001; gnomAD 0.00001; gnomAD exomes 0.00001.
gnomAD v4.1: 13 of 1,606,716 alleles (0.00081%); highest among the groups gnomAD compares: East Asian, 0.0022%; no homozygotes.

Submission:

Labcorp Genetics (formerly Invitae), Labcorp
Classification: Uncertain significance. Last evaluated: 2022-06-05. Review status: criteria provided, single submitter. Criteria: Invitae Variant Classification Sherloc (09022015). Collection method: clinical testing. Allele origin: germline.
Comment: This sequence change replaces arginine, which is basic and polar, with glutamine, which is neutral and polar, at codon 542 of the IFT88 protein (p.Arg542Gln). This variant is not present in population databases (gnomAD no frequency). This variant has not been reported in the literature in individuals affected with IFT88-related conditions. ClinVar contains an entry for this variant (Variation ID: 1492778). Algorithms developed to predict the effect of missense changes on protein structure and function are either unavailable or do not agree on the potential impact of this missense change (SIFT: "Not Available"; PolyPhen-2: "Benign"; Align-GVGD: "Not Available"). In summary, the available evidence is currently insufficient to determine the role of this variant in disease. Therefore, it has been classified as a Variant of Uncertain Significance.